The following is an entry in ClinVar:

ClinVar aggregate classification (germline): Benign/Likely benign. Review status: criteria provided, multiple submitters, no conflicts (2 of 4 stars). 8 submissions from 8 submitters: Benign (5); Likely benign (3). Last evaluated 2026-02-04.

Conditions:
Thrombocytopenia 2 (THC2). Also called: ANKRD26-Related Thrombocytopenia. Identifiers: Orphanet 268322, MedGen C1861185, MONDO:0008555, OMIM 188000.

Allele frequency attached by ClinVar (database versions not stated): 1000 Genomes Project 0.02436; 1000 Genomes Project 30x 0.02452; TOPMed 0.03190; ExAC 0.03200; gnomAD 0.03345 and 0.03406; ESP Exome Variant Server 0.03483.
gnomAD v4.1: 56,004 of 1,610,764 alleles (3.5%); highest among the groups gnomAD compares: Non-Finnish European, 3.7%; 1,036 homozygotes.

Submissions (8):

Labcorp Genetics (formerly Invitae), Labcorp
Classification: Benign. Last evaluated: 2026-02-04. Review status: criteria provided, single submitter. Criteria: Invitae Variant Classification Sherloc (09022015). Collection method: clinical testing. Allele origin: germline.

ARUP Laboratories, Molecular Genetics and Genomics, ARUP Laboratories
Classification: Benign for Thrombocytopenia 2. Last evaluated: 2025-07-18. Review status: criteria provided, single submitter. Criteria: ARUP Molecular Germline Variant Investigation Process 2024. Collection method: clinical testing. Allele origin: germline.

Blueprint Genetics
Classification: Likely benign. Last evaluated: 2024-11-27. Review status: criteria provided, single submitter. Criteria: ACMG Guidelines, 2015. Collection method: clinical testing. Allele origin: germline.

Genome-Nilou Lab
Classification: Benign for Thrombocytopenia 2. Last evaluated: 2021-12-05. Review status: criteria provided, single submitter. Criteria: ACMG Guidelines, 2015. Collection method: clinical testing. Allele origin: germline. Affected: no.

GeneDx
Classification: Likely benign. Last evaluated: 2018-11-08. Review status: criteria provided, single submitter. Criteria: GeneDx Variant Classification Process June 2021. Collection method: clinical testing. Allele origin: germline. Affected: yes.

Illumina Laboratory Services, Illumina
Classification: Benign for Thrombocytopenia 2. Last evaluated: 2018-01-12. Review status: criteria provided, single submitter. Criteria: ICSL Variant Classification Criteria 13 December 2019. Collection method: clinical testing. Allele origin: germline.
Comment: This variant was observed in the ICSL laboratory as part of a predisposition screen in an ostensibly healthy population. It had not been previously curated by ICSL or reported in the Human Gene Mutation Database (HGMD: prior to June 1st, 2018), and was therefore a candidate for classification through an automated scoring system. Utilizing variant allele frequency, disease prevalence and penetrance estimates, and inheritance mode, an automated score was calculated to assess if this variant is too frequent to cause the disease. Based on the score and internal cut-off values, a variant classified as benign is not then subjected to further curation. The score for this variant resulted in a classification of benign for this disease.

Breakthrough Genomics
Classification: Likely benign. Review status: criteria provided, single submitter. Criteria: ACMG Guidelines, 2015. Collection method: not provided. Allele origin: germline. Inheritance: Autosomal dominant inheritance. Affected: yes.

PreventionGenetics, part of Exact Sciences
Classification: Benign. Review status: criteria provided, single submitter. Criteria: ACMG Guidelines, 2015. Collection method: clinical testing. Allele origin: germline.

NM_014915.3(ANKRD26):c.1207+15A>G

Gene: ANKRD26 (ankyrin repeat domain 26; minus strand). Cytogenetic location: 10p12.1.
Variant type: single nucleotide variant.
Coding change: c.1207+15A>G on transcript NM_014915.3 (MANE Select); 15 bases into the intron after coding-DNA position 1207, A replaced by G.
Molecular consequence: intron variant.
Genome position (GRCh38, 1-based): chr10:27,067,142, T>C on the plus strand (A>G on the coding strand, the complement: ANKRD26 is on the minus strand). VCF-style: chr10-27067142-T-C. GRCh37 (hg19) VCF-style: chr10-27356071-T-C.
Other names: c.1207+15A>G (NM_001256053.2).
Identifiers: ClinVar variation 260455 (VCV000260455.24), dbSNP rs115864032, ClinGen allele CA5448663.